The following is an entry in ClinVar:

ClinVar aggregate classification (germline): Likely benign. Review status: criteria provided, single submitter (1 of 4 stars). 2 submissions from 2 submitters: Likely benign (1). 1 of the submissions does not count toward it. Last evaluated 2026-07-01.

Conditions:
EIF2S3-related disorder. Also called: EIF2S3-related condition.

Allele frequency attached by ClinVar (database versions not stated): ExAC 0.00001; gnomAD exomes 0.00001; TOPMed 0.00002.
gnomAD v4.1: 20 of 1,196,130 alleles (0.0017%); highest among the groups gnomAD compares: Middle Eastern, 0.047%; no homozygotes.

Submissions (2):

CeGaT Center for Human Genetics Tuebingen
Classification: Likely benign. Last evaluated: 2026-07-01. Review status: criteria provided, single submitter. Criteria: CeGaT Center For Human Genetics Tuebingen Variant Classification Criteria Version 2. Collection method: clinical testing. Allele origin: germline. Affected: yes. Observed: 5 variant alleles.
Comment: EIF2S3: BS2

PreventionGenetics, part of Exact Sciences
Classification: Likely benign for EIF2S3-related condition. Last evaluated: 2024-05-29. Review status: no assertion criteria provided. Collection method: clinical testing. Allele origin: germline. Not counted in ClinVar's aggregate classification.
Comment: This variant is classified as likely benign based on ACMG/AMP sequence variant interpretation guidelines (Richards et al. 2015 PMID: 25741868, with internal and published modifications).

NM_001415.4(EIF2S3):c.675A>G (p.Ser225=)

Gene: EIF2S3 (eukaryotic translation initiation factor 2 subunit gamma; plus strand). Cytogenetic location: Xp22.11.
Variant type: single nucleotide variant.
Coding change: c.675A>G on transcript NM_001415.4 (MANE Select); coding-DNA position 675, A replaced by G.
Protein change: p.Ser225=; no amino-acid change (serine 225 retained).
Molecular consequence: synonymous variant.
Genome position (GRCh38, 1-based): chrX:24,064,238, A>G. VCF-style: chrX-24064238-A-G. GRCh37 (hg19) VCF-style: chrX-24082355-A-G.
Other names: c.675A>G (NM_001415.3).
Identifiers: ClinVar variation 1013363 (VCV001013363.38), dbSNP rs778615116, ClinGen allele CA10370792.
Genomic context (GRCh38, chrX:24,064,238, plus strand): 5'-TCTTTCTAAATTTTGTCATATAGGTACAGTAGCAGAGGGAGCTCCCATTATTCCAATTTC[A>G]GCTCAGCTGAAATACAATATTGAAGTTGTTTGTGAGTACATAGTAAAGAAAATTCCAGTA-3'
Protein context (NP_001406.1, residues 215-235): VAEGAPIIPI[Ser225=]AQLKYNIEVV